The following is an entry in ClinVar:

ClinVar aggregate classification (germline): Uncertain significance (1 of 4 stars; one submission).

Conditions:
Inborn genetic diseases. Identifiers: MedGen C0950123, MeSH D030342.

Allele frequency attached by ClinVar (database versions not stated): gnomAD exomes below 0.00001.
gnomAD v4.1: 3 of 1,603,676 alleles (0.00019%); highest among the groups gnomAD compares: Non-Finnish European, 0.00017%; no homozygotes.

Submission:

Ambry Genetics
Classification: Uncertain significance for Inborn genetic diseases. Last evaluated: 2021-09-14. Review status: criteria provided, single submitter. Criteria: Ambry Variant Classification Scheme 2023. Collection method: clinical testing. Allele origin: germline.
Comment: Occurs in the last base pair of the exon Based on insufficient or conflicting evidence, the clinical significance of this alteration remains unclear.

NM_005559.4(LAMA1):c.3507A>C (p.Pro1169=)

Gene: LAMA1 (laminin subunit alpha 1; minus strand). Cytogenetic location: 18p11.31.
Variant type: single nucleotide variant.
Coding change: c.3507A>C on transcript NM_005559.4 (MANE Select); coding-DNA position 3507, A replaced by C.
Protein change: p.Pro1169=; no amino-acid change (proline 1169 retained).
Molecular consequence: synonymous variant.
Genome position (GRCh38, 1-based): chr18:7,011,995, T>G on the plus strand (A>C on the coding strand, the complement: LAMA1 is on the minus strand). VCF-style: chr18-7011995-T-G. GRCh37 (hg19) VCF-style: chr18-7011994-T-G.
Identifiers: ClinVar variation 2209544 (VCV002209544.2), dbSNP rs2510070604, ClinGen allele CA502488240.